The following is an entry in ClinVar:

NM_153026.3(PRICKLE1):c.2242A>G (p.Met748Val)

Gene: PRICKLE1 (prickle planar cell polarity protein 1; minus strand). Cytogenetic location: 12q12.
Variant type: single nucleotide variant.
Coding change: c.2242A>G on transcript NM_153026.3 (MANE Select); coding-DNA position 2242, A replaced by G.
Protein change: p.Met748Val; replaces methionine 748 with valine.
Molecular consequence: missense variant.
Genome position (GRCh38, 1-based): chr12:42,460,063, T>C on the plus strand (A>G on the coding strand, the complement: PRICKLE1 is on the minus strand). VCF-style: chr12-42460063-T-C. GRCh37 (hg19) VCF-style: chr12-42853865-T-C.
Other names: c.2242A>G, p.Met748Val (NM_001144881.2, NM_001144882.2, NM_001144883.2); short protein forms M748V.
Identifiers: ClinVar variation 3389587 (VCV003389587.14).

ClinVar aggregate classification (germline): Uncertain significance (1 of 4 stars; one submission).

gnomAD v4.1: 1 of 1,614,130 alleles (0.000062%); highest among the groups gnomAD compares: African/African-American, 0.0013%; no homozygotes.

Submission:

CeGaT Center for Human Genetics Tuebingen
Classification: Uncertain significance. Last evaluated: 2024-09-01. Review status: criteria provided, single submitter. Criteria: CeGaT Center For Human Genetics Tuebingen Variant Classification Criteria Version 2. Collection method: clinical testing. Allele origin: germline. Affected: yes. Observed: 1 variant allele.
Comment: PRICKLE1: PM2, BP4